The following is an entry in ClinVar:

NM_025074.7(FRAS1):c.8396C>T (p.Ser2799Leu)

Gene: FRAS1 (Fraser extracellular matrix complex subunit 1; plus strand). Cytogenetic location: 4q21.21.
Variant type: single nucleotide variant.
Coding change: c.8396C>T on transcript NM_025074.7 (MANE Select); coding-DNA position 8396, C replaced by T.
Protein change: p.Ser2799Leu; replaces serine 2799 with leucine.
Molecular consequence: missense variant.
Genome position (GRCh38, 1-based): chr4:78,479,671, C>T. VCF-style: chr4-78479671-C-T. GRCh37 (hg19) VCF-style: chr4-79400825-C-T.
Other names: c.8396C>T (NM_025074.6); short protein forms S2799L.
Identifiers: ClinVar variation 2169033 (VCV002169033.6), dbSNP rs903670881, ClinGen allele CA357373455.

ClinVar aggregate classification (germline): Uncertain significance. Review status: criteria provided, multiple submitters, no conflicts (2 of 4 stars). 3 submissions from 3 submitters: Uncertain significance (3). Last evaluated 2024-09-23.

Conditions:
Inborn genetic diseases. Identifiers: MedGen C0950123, MeSH D030342.

Allele frequency attached by ClinVar (database versions not stated): TOPMed 0.00001.
gnomAD v4.1: 13 of 1,609,268 alleles (0.00081%); highest among the groups gnomAD compares: Admixed American, 0.0033%; no homozygotes.

Submissions (3):

Labcorp Genetics (formerly Invitae), Labcorp
Classification: Uncertain significance. Last evaluated: 2024-09-23. Review status: criteria provided, single submitter. Criteria: Invitae Variant Classification Sherloc (09022015). Collection method: clinical testing. Allele origin: germline.
Comment: This sequence change replaces serine, which is neutral and polar, with leucine, which is neutral and non-polar, at codon 2799 of the FRAS1 protein (p.Ser2799Leu). This variant is present in population databases (no rsID available, gnomAD 0.006%). This variant has not been reported in the literature in individuals affected with FRAS1-related conditions. ClinVar contains an entry for this variant (Variation ID: 2169033). Invitae Evidence Modeling of protein sequence and biophysical properties (such as structural, functional, and spatial information, amino acid conservation, physicochemical variation, residue mobility, and thermodynamic stability) indicates that this missense variant is expected to disrupt FRAS1 protein function with a positive predictive value of 80%. In summary, the available evidence is currently insufficient to determine the role of this variant in disease. Therefore, it has been classified as a Variant of Uncertain Significance.

Ambry Genetics
Classification: Uncertain significance for Inborn genetic diseases. Last evaluated: 2023-12-07. Review status: criteria provided, single submitter. Criteria: Ambry Variant Classification Scheme 2023. Collection method: clinical testing. Allele origin: germline.

Blueprint Genetics
Classification: Uncertain significance. Last evaluated: 2019-06-11. Review status: criteria provided, single submitter. Criteria: ACMG Guidelines, 2015. Collection method: clinical testing. Allele origin: germline.